The following is an entry in ClinVar:

NC_000015.10:g.(?_48434584)_(48434723_?)del

Gene: FBN1 (fibrillin 1; minus strand). Cytogenetic location: 15q21.1.
Variant type: Deletion.
Identifiers: ClinVar variation 651834 (VCV000651834.5).

ClinVar aggregate classification (germline): Pathogenic (1 of 4 stars; one submission).

Conditions:
Familial thoracic aortic aneurysm and aortic dissection (TAAD). Also called: Thoracic aortic aneurysms and dissections. Identifiers: Orphanet 91387, MedGen C4707243, MONDO:0019625.
Marfan syndrome (MFS). Also called: FBN1-Related Marfan Syndrome; Marfan syndrome type 1; Marfan's syndrome; Marfan syndrome, classic; MARFAN SYNDROME, TYPE I. Identifiers: Orphanet 284963, Orphanet 558, MedGen C0024796, MONDO:0007947, OMIM 154700.

Submission:

Labcorp Genetics (formerly Invitae), Labcorp
Classification: Pathogenic for Marfan syndrome; Familial thoracic aortic aneurysm and aortic dissection. Last evaluated: 2018-12-27. Review status: criteria provided, single submitter. Criteria: Invitae Variant Classification Sherloc (09022015). Collection method: clinical testing. Allele origin: germline.
Comment: For these reasons, this variant has been classified as Pathogenic. This variant affects a cysteine residue in the EGF-like, TGFBP or hybrid motif domains of FBN1. Cysteine residues are believed to be involved in intramolecular disulfide bridges and have been shown to be important for FBN1 protein structure (PMID: 16905551, 19349279). In addition, missense substitutions affecting cysteine residues within these domains are significantly overrepresented among patients with Marfan syndrome (PMID: 16571647, 17701892). A similar deletion of exon 54 has been observed in individuals affected with clinical features of Marfan syndrome (PMID:¬†30286810, Invitae). This variant is an in-frame deletion of the genomic region encompassing exon 54 of the FBN1 gene. It preserves the integrity of the reading frame.

Literature cited by the submitters: PubMed 16905551; PubMed 19349279; PubMed 16571647; PubMed 17701892.